The following is an entry in ClinVar:

ClinVar aggregate classification (germline): Pathogenic (1 of 4 stars; one submission).

Conditions:
Breast-ovarian cancer, familial, susceptibility to, 1 (BROVCA1). Also called: OVARIAN CANCER, SUSCEPTIBILITY TO; BRCA1 Hereditary Breast and Ovarian Cancer. Identifiers: Orphanet 145, MedGen C2676676, MONDO:0011450, OMIM 604370. Disease mechanism: loss of function.

Submission:

Myriad Genetics, Inc.
Classification: Pathogenic for Breast-ovarian cancer, familial, susceptibility to, 1. Last evaluated: 2026-06-30. Review status: criteria provided, single submitter. Criteria: Myriad Autosomal Dominant, Autosomal Recessive and X-Linked Classification Criteria (2023). Collection method: clinical testing. Allele origin: unknown.
Comment: This variant is considered pathogenic. This variant creates a frameshift predicted to result in premature protein truncation.

NM_007294.4(BRCA1):c.1014_1015delinsT (p.Lys338fs)

Gene: BRCA1 (BRCA1 DNA repair associated; minus strand). Cytogenetic location: 17q21.31.
Variant type: Indel.
Coding change: c.1014_1015delinsT on transcript NM_007294.4 (MANE Select); coding-DNA positions 1014 to 1015, AA replaced by T.
Protein change: p.Lys338fs; shifts the reading frame from lysine 338.
Molecular consequence: frameshift variant. On other transcripts: intron variant (137).
Genome position (GRCh38, 1-based): chr17:43,094,516-43,094,517, TT replaced by A on the plus strand (AA replaced by T on the coding strand, the reverse complement: BRCA1 is on the minus strand). VCF-style: chr17-43094516-TT-A. GRCh37 (hg19) VCF-style: chr17-41246533-TT-A.
Other names: c.778+227_778+228delinsT (NM_001408408.1); c.661+227_661+228delinsT (NM_001408446.1, NM_001408435.1, NM_001408448.1 and 6 more transcripts); c.784+227_784+228delinsT (NM_001408401.1, NM_001408396.1, NM_001407985.1 and 13 more transcripts); c.548-3485_548-3484delinsT (NM_001408494.1); c.664+227_664+228delinsT (NM_001408444.1, NM_001408438.1, NM_001408430.1 and 12 more transcripts); c.670+1329_670+1330delinsT (NM_001408423.1, NM_001408420.1, NM_001408419.1 and 2 more transcripts); c.787+227_787+228delinsT (NM_001408404.1, NM_001408472.1, NM_001407990.1 and 19 more transcripts); c.577+227_577+228delinsT (NM_001408492.1, NM_001408513.1, NM_001408489.1 and 9 more transcripts); and 40 more; short protein forms K170fs, K210fs, K211fs, K226fs, K227fs, K249fs, K250fs, K267fs.
Identifiers: ClinVar variation 4876067 (VCV004876067.1).
Genomic context (GRCh38, chr17:43,094,516, plus strand): 5'-GCAGTTTCTGCTTATTCCATTCTTTTCTCTCACACAGGGGATCAGCATTCAGATCTACCT[TT>A]TTTTCTGTGCTGGGAGTCCGCCTATCATTACATGTTTCCTTACTTCCAGCCCATCTGTTA-3'